The following is an entry in ClinVar:

ClinVar aggregate classification (germline): Likely benign. Review status: criteria provided, multiple submitters, no conflicts (2 of 4 stars). 3 submissions from 3 submitters: Likely benign (3). Last evaluated 2024-07-17.

Conditions:
Cardiovascular phenotype. Identifiers: MedGen CN230736.
Catecholaminergic polymorphic ventricular tachycardia (CVPT). Also called: Catecholamine-induced polymorphic ventricular tachycardia. Identifiers: Orphanet 3286, MedGen C5574922, MONDO:0017990.
Catecholaminergic polymorphic ventricular tachycardia 1. Also called: VENTRICULAR TACHYCARDIA, STRESS-INDUCED POLYMORPHIC 1; VENTRICULAR TACHYCARDIA, CATECHOLAMINERGIC POLYMORPHIC, 1, WITH OR WITHOUT ATRIAL DYSFUNCTION AND/OR DILATED CARDIOMYOPATHY; RYR2-Related Catecholaminergic Polymorphic Ventricular Tachycardia. Identifiers: Orphanet 3286, MedGen C1631597, MONDO:0011484, OMIM 604772.

Allele frequency attached by ClinVar (database versions not stated): gnomAD exomes below 0.00001; ExAC 0.00002.
gnomAD v4.1: 1 of 1,611,898 alleles (0.000062%); highest among the groups gnomAD compares: Admixed American, 0.0017%; no homozygotes.

Submissions (3):

Labcorp Genetics (formerly Invitae), Labcorp
Classification: Likely benign for Catecholaminergic polymorphic ventricular tachycardia 1. Last evaluated: 2024-07-17. Review status: criteria provided, single submitter. Criteria: Invitae Variant Classification Sherloc (09022015). Collection method: clinical testing. Allele origin: germline.

All of Us Research Program, National Institutes of Health
Classification: Likely benign for Catecholaminergic polymorphic ventricular tachycardia. Last evaluated: 2023-11-02. Review status: criteria provided, single submitter. Criteria: ACMG Guidelines, 2015. Collection method: clinical testing. Allele origin: germline. Inheritance: Autosomal dominant inheritance. Observed: 1 variant allele, 1 heterozygote.
Comment: This study involves interpretation of variants in research participants for the purpose of population health screening. Participant phenotype was not available at the time of variant classification. Additional details can be found in publication PMID: 35346344, PMCID: PMC8962531

Ambry Genetics
Classification: Likely benign for Cardiovascular phenotype. Last evaluated: 2015-12-01. Review status: criteria provided, single submitter. Criteria: Ambry Variant Classification Scheme 2023. Collection method: clinical testing. Allele origin: germline.

NM_001035.3(RYR2):c.4902G>A (p.Glu1634=)

Gene: RYR2 (ryanodine receptor 2; plus strand). Cytogenetic location: 1q43.
Variant type: single nucleotide variant.
Coding change: c.4902G>A on transcript NM_001035.3 (MANE Select); coding-DNA position 4902, G replaced by A.
Protein change: p.Glu1634=; no amino-acid change (glutamic acid 1634 retained).
Molecular consequence: synonymous variant.
Genome position (GRCh38, 1-based): chr1:237,610,980, G>A. VCF-style: chr1-237610980-G-A. GRCh37 (hg19) VCF-style: chr1-237774280-G-A.
Other names: c.4902G>A, p.Glu1634= (LRG_402t1).
Identifiers: ClinVar variation 264621 (VCV000264621.15), dbSNP rs767794262, ClinGen allele CA086761.
Genomic context (GRCh38, chr1:237,610,980, plus strand): 5'-CCAAGGCTGGTTGGTGCAGTGTTTGGATCCTCTGCAGTTCATGTCTCTTCATATCCCTGA[G>A]GAAAACAGGTCAGCCCCAGTGAATCCCTGACATTCTGATTGGGACGCTTGGGATTAGCCT-3'
Protein context (NP_001026.2, residues 1624-1644): PLQFMSLHIP[Glu1634=]ENRSVDILEL